The following is an entry in ClinVar:

ClinVar aggregate classification (germline): Pathogenic/Likely pathogenic. Review status: criteria provided, multiple submitters, no conflicts (2 of 4 stars). 2 submissions from 2 submitters: Pathogenic (1); Likely pathogenic (1). Last evaluated 2025-03-10.

Conditions:
Autism spectrum disorder - epilepsy - arthrogryposis syndrome (AMRS). Identifiers: Orphanet 370943, MedGen C3809910, MONDO:0014248, OMIM 615553.

Allele frequency attached by ClinVar (database versions not stated): gnomAD exomes below 0.00001; TOPMed below 0.00001.

Submissions (2):

Natera, Inc.
Classification: Likely pathogenic for Arthrogryposis, mental retardation, and seizures. Last evaluated: 2025-03-10. Review status: criteria provided, single submitter. Criteria: Natera Variant Classification Schema (03/2026). Collection method: clinical testing. Allele origin: germline.
Comment: The c.520delG variant in SLC35A3 is a frameshift variant predicted to shift the reading frame and introduce a stop codon. This variant is expected to result in nonsense mediated decay, truncation, or a dysfunctional protein product. This variant is rare in the general population with a frequency below the threshold expected for the associated phenotype(s). Given the available evidence, this variant is classified as Likely Pathogenic.

Labcorp Genetics (formerly Invitae), Labcorp
Classification: Pathogenic for Autism spectrum disorder - epilepsy - arthrogryposis syndrome. Last evaluated: 2024-02-13. Review status: criteria provided, single submitter. Criteria: Invitae Variant Classification Sherloc (09022015). Collection method: clinical testing. Allele origin: germline.
Comment: This sequence change creates a premature translational stop signal (p.Val174*) in the SLC35A3 gene. It is expected to result in an absent or disrupted protein product. Loss-of-function variants in SLC35A3 are known to be pathogenic (PMID: 24031089, 28328131). This variant is not present in population databases (gnomAD no frequency). This variant has not been reported in the literature in individuals affected with SLC35A3-related conditions. ClinVar contains an entry for this variant (Variation ID: 1436503). For these reasons, this variant has been classified as Pathogenic.

Literature cited by the submitters: PubMed 24031089 (cited by Labcorp Genetics (formerly Invitae), Labcorp); PubMed 28328131 (cited by Labcorp Genetics (formerly Invitae), Labcorp).

NM_012243.3(SLC35A3):c.520del (p.Phe173_Val174insTer)

Gene: SLC35A3 (solute carrier family 35 member A3; plus strand). Cytogenetic location: 1p21.2.
Variant type: Deletion.
Coding change: c.520del on transcript NM_012243.3 (MANE Select); coding-DNA position 520, one base deleted (G; older notation c.520delG).
Protein change: p.Phe173_Val174insTer.
Molecular consequence: nonsense.
Genome position (GRCh38, 1-based): chr1:100,011,419, G deleted. VCF-style (leftmost placement, unchanged base first): chr1-100011418-TG-T. GRCh37 (hg19) VCF-style: chr1-100476974-TG-T.
Other names: c.520del, p.Phe173_Val174insTer (NM_001271684.2); c.646del, p.Phe215_Val216insTer (NM_001271685.2); c.520delG (NM_012243.2).
Identifiers: ClinVar variation 1436503 (VCV001436503.7), dbSNP rs1659624849, ClinGen allele CA1183981119.
Genomic context (GRCh38, chr1:100,011,418, plus strand): 5'-TATTTAGTGGCCCTCAGATTCTCAGCTTGATTCTAAGGAACTTTCAGCTGGTTCTCAATT[TG>T]TAGGACTCATGGCAGTTCTCACAGCATGTTTTTCAAGTGGCTTTGCTGGGGTTTACTTTG-3'